The following is an entry in ClinVar:

NM_019892.6(INPP5E):c.147G>A (p.Ala49=)

Gene: INPP5E (inositol polyphosphate-5-phosphatase E; minus strand). Cytogenetic location: 9q34.3.
Variant type: single nucleotide variant.
Coding change: c.147G>A on transcript NM_019892.6 (MANE Select); coding-DNA position 147, G replaced by A.
Protein change: p.Ala49=; no amino-acid change (alanine 49 retained).
Molecular consequence: synonymous variant.
Genome position (GRCh38, 1-based): chr9:136,439,273, C>T on the plus strand (G>A on the coding strand, the complement: INPP5E is on the minus strand). VCF-style: chr9-136439273-C-T. GRCh37 (hg19) VCF-style: chr9-139333725-C-T.
Other names: c.147G>A, p.Ala49= (NM_001318502.2); c.147G>A (NM_019892.5).
Identifiers: ClinVar variation 1545235 (VCV001545235.9), dbSNP rs2131620018, ClinGen allele CA467828621.

ClinVar aggregate classification (germline): Likely benign. Review status: criteria provided, multiple submitters, no conflicts (2 of 4 stars). 2 submissions from 2 submitters: Likely benign (2). Last evaluated 2025-10-09.

Conditions:
INPP5E-related disorder. Also called: INPP5E-related condition.
Joubert syndrome. Also called: Familial aplasia of the vermis; JOUBERT-BOLTSHAUSER SYNDROME. Identifiers: Orphanet 475, MedGen C5979921, MONDO:0018772.

Submissions (2):

PreventionGenetics, part of Exact Sciences
Classification: Likely benign for INPP5E-related condition. Last evaluated: 2025-10-09. Review status: criteria provided, single submitter. Criteria: ACMG Guidelines, 2015. Collection method: clinical testing. Allele origin: germline.
Comment: This variant is classified as likely benign based on ACMG/AMP sequence variant interpretation guidelines (Richards et al. 2015 PMID: 25741868, with internal and published modifications).

Labcorp Genetics (formerly Invitae), Labcorp
Classification: Likely benign for Joubert syndrome. Last evaluated: 2022-09-13. Review status: criteria provided, single submitter. Criteria: Invitae Variant Classification Sherloc (09022015). Collection method: clinical testing. Allele origin: germline.